The following is an entry in ClinVar:

NM_000303.3(PMM2):c.360T>G (p.Ile120Met)

Gene: PMM2 (phosphomannomutase 2; plus strand). Cytogenetic location: 16p13.2.
Variant type: single nucleotide variant.
Coding change: c.360T>G on transcript NM_000303.3 (MANE Select); coding-DNA position 360, T replaced by G.
Protein change: p.Ile120Met; replaces isoleucine 120 with methionine.
Molecular consequence: missense variant.
Genome position (GRCh38, 1-based): chr16:8,811,091, T>G. VCF-style: chr16-8811091-T-G. GRCh37 (hg19) VCF-style: chr16-8904948-T-G.
Other names: short protein forms I120M.
Identifiers: ClinVar variation 1804910 (VCV001804910.3), dbSNP rs762408736, ClinGen allele CA394696515.

ClinVar aggregate classification (germline): Likely pathogenic. Review status: criteria provided, multiple submitters, no conflicts (2 of 4 stars). 2 submissions from 2 submitters: Likely pathogenic (2). Last evaluated 2024-10-09.

Conditions:
PMM2-congenital disorder of glycosylation. Also called: Congenital disorder of glycosylation, type Ia; CARBOHYDRATE-DEFICIENT GLYCOPROTEIN SYNDROME, TYPE Ia; CDG Ia; JAEKEN SYNDROME; PHOSPHOMANNOMUTASE 2 DEFICIENCY; PMM2-CDG. Identifiers: Orphanet 79318, MedGen C0349653, MONDO:0008907, OMIM 212065.
PMM2-related disorder. Also called: PMM2-related condition.

gnomAD v4.1: 8 of 1,565,768 alleles (0.00051%); highest among the groups gnomAD compares: Non-Finnish European, 0.0007%; no homozygotes.

Submissions (2):

Victorian Clinical Genetics Services, Murdoch Childrens Research Institute
Classification: Likely pathogenic for PMM2-congenital disorder of glycosylation. Last evaluated: 2024-10-09. Review status: criteria provided, single submitter. Criteria: ACMG Guidelines, 2015. Collection method: clinical testing. Allele origin: germline. Inheritance: Autosomal recessive inheritance. Affected: yes.
Comment: Based on the classification scheme VCGS_Germline_v1.3.4, this variant is classified as Likely Pathogenic. Following criteria are met: 0102 - Loss of function is a known mechanism of disease in this gene and is associated with congenital disorder of glycosylation type Ia (MIM# 212065). (I) 0106 - This gene is associated with autosomal recessive disease. (I) 0200 - Variant is predicted to result in a missense amino acid change from isoleucine to methionine. (I) 0251 - This variant is heterozygous. (I) 0301 - Variant is absent from gnomAD (both v2 and v3). (SP) 0309 - Two alternative amino acid changes at the same position to leucine (1 heterozygote, 0 homozygotes) and threonine (16 heterozygotes, 0 homozygotes) have been observed in gnomAD (v2). (I) 0501 - Missense variant consistently predicted to be damaging by multiple in silico tools or highly conserved with a major amino acid change. (SP) 0600 - Variant is located in the annotated Phosphomannomutase domain (NCBI). (I) 0703 - Another missense variant comparable to the one identified in this case has moderate previous evidence for pathogenicity. A different variant in the same codon resulting in a change to a threonine has been shown to cause congenital disorder of glycosylation type Ia (PMID: 11058895, 23045520, 28425223). (SP) 0807 - This variant has no previous evidence of pathogenicity. (I) 0905 - No published segregation evidence has been identified for this variant. (I) 1007 - No published functional evidence has been identified for this variant. (I) 1102 - Strong phenotype match for this individual. (SP) 1201 - Heterozygous variant detected in trans with a second pathogenic heterozygous variant (p.(Arg123Gln)) in a recessive disease. (I) Legend: (SP) - Supporting pathogenic, (I) - Information, (SB) - Supporting benign

Blueprint Genetics
Classification: Likely pathogenic for PMM2-related disorders. Last evaluated: 2022-04-28. Review status: criteria provided, single submitter. Criteria: ACMG Guidelines, 2015. Collection method: clinical testing. Allele origin: germline. Affected: yes. Observed: 1 variant allele.

Literature cited by the submitters: PubMed 11058895 (cited by Victorian Clinical Genetics Services, Murdoch Childrens Research Institute); PubMed 23045520 (cited by Victorian Clinical Genetics Services, Murdoch Childrens Research Institute); PubMed 28425223 (cited by Victorian Clinical Genetics Services, Murdoch Childrens Research Institute).